The following is an entry in ClinVar:

NM_182548.4(LHFPL5):c.509T>A (p.Leu170Gln)

Gene: LHFPL5 (LHFPL tetraspan subfamily member 5; plus strand). Cytogenetic location: 6p21.31.
Variant type: single nucleotide variant.
Coding change: c.509T>A on transcript NM_182548.4 (MANE Select); coding-DNA position 509, T replaced by A.
Protein change: p.Leu170Gln; replaces leucine 170 with glutamine.
Molecular consequence: missense variant.
Genome position (GRCh38, 1-based): chr6:35,814,642, T>A. VCF-style: chr6-35814642-T-A. GRCh37 (hg19) VCF-style: chr6-35782419-T-A.
Other names: short protein forms L170Q.
Identifiers: ClinVar variation 3900836 (VCV003900836.1).

ClinVar aggregate classification (germline): Uncertain significance (1 of 4 stars; one submission).

Submission:

GeneDx
Classification: Uncertain significance. Last evaluated: 2024-12-02. Review status: criteria provided, single submitter. Criteria: GeneDx Variant Classification Process June 2021. Collection method: clinical testing. Allele origin: germline. Affected: yes.
Comment: In silico analysis supports that this missense variant has a deleterious effect on protein structure/function; Has not been previously published as pathogenic or benign to our knowledge